The following is an entry in ClinVar:

NM_002539.3(ODC1):c.21_23del (p.Glu8del)

Gene: ODC1 (ornithine decarboxylase 1; minus strand). Cytogenetic location: 2p25.1.
Variant type: Deletion.
Coding change: c.21_23del on transcript NM_002539.3 (MANE Select); coding-DNA positions 21 to 23, 3 bases deleted (AGA; older notation c.21_23delAGA).
Protein change: p.Glu8del; deletes glutamic acid 8.
Molecular consequence: inframe deletion. On other transcripts: 5 prime UTR variant (1).
Genome position (GRCh38, 1-based): chr2:10,445,010-10,445,012, TCT deleted on the plus strand (AGA on the coding strand, the reverse complement: ODC1 is on the minus strand); deleting any 3 consecutive bases within chr2:10,445,010-10,445,014 gives the same sequence; the c. name uses the placement nearest the transcript's 3' end. VCF-style (leftmost placement, unchanged base first): chr2-10445009-CTCT-C. GRCh37 (hg19) VCF-style: chr2-10585135-CTCT-C.
Other names: c.-267_-265del (NM_001287188.2); c.21_23del, p.Glu8del (NM_001287189.2, NM_001287190.2); short protein forms E8del.
Identifiers: ClinVar variation 4536206 (VCV004536206.1).

ClinVar aggregate classification (germline): Uncertain significance (1 of 4 stars; one submission).

Submission:

GeneDx
Classification: Uncertain significance. Last evaluated: 2025-06-06. Review status: criteria provided, single submitter. Criteria: GeneDx Variant Classification Process June 2021. Collection method: clinical testing. Allele origin: germline. Affected: yes.
Comment: Not observed at significant frequency in large population cohorts (gnomAD); In-frame deletion of 1 amino acid(s) in a non-repeat region; In silico analysis supports a deleterious effect on protein structure/function; Has not been previously published as pathogenic or benign to our knowledge